The following is an entry in ClinVar:

NM_000238.4(KCNH2):c.1620del (p.Arg541fs)

Gene: KCNH2 (potassium voltage-gated channel subfamily H member 2; minus strand). Cytogenetic location: 7q36.1.
Variant type: Deletion.
Coding change: c.1620del on transcript NM_000238.4 (MANE Select); coding-DNA position 1620, one base deleted (T; older notation c.1620delT).
Protein change: p.Arg541fs; shifts the reading frame from arginine 541.
Molecular consequence: frameshift variant.
Genome position (GRCh38, 1-based): chr7:150,951,773, A deleted on the plus strand (T on the coding strand, the reverse complement: KCNH2 is on the minus strand). VCF-style (leftmost placement, unchanged base first): chr7-150951772-GA-G. GRCh37 (hg19) VCF-style: chr7-150648860-GA-G.
Other names: c.600del, p.Arg201fs (NM_001204798.2, NM_172057.3); c.1332delT, p.Arg445Alafs (NM_001406753.1, NM_001406756.1); c.1443delT, p.Arg482Alafs (NM_001406755.1); c.1320delT, p.Arg441Alafs (NM_001406757.1); c.1620delT, p.Arg541Alafs (NM_172056.3); short protein forms R541fs, R201fs.
Identifiers: ClinVar variation 519551 (VCV000519551.7), dbSNP rs1554425955, ClinGen allele CA658797035.

ClinVar aggregate classification (germline): Pathogenic (1 of 4 stars; one submission).

Conditions:
Cardiovascular phenotype. Identifiers: MedGen CN230736.

Submission:

Ambry Genetics
Classification: Pathogenic for Cardiovascular phenotype. Last evaluated: 2017-12-04. Review status: criteria provided, single submitter. Criteria: Ambry Variant Classification Scheme 2023. Collection method: clinical testing. Allele origin: germline.
Comment: The c.1620delT pathogenic mutation, located in coding exon 7 of the KCNH2 gene, results from a deletion of one nucleotide at nucleotide position 1620, causing a translational frameshift with a predicted alternate stop codon (p.R541Afs*24). This alteration is expected to result in loss of function by premature protein truncation or nonsense-mediated mRNA decay. As such, this alteration is interpreted as a disease-causing mutation.